The following is an entry in ClinVar:

NM_001382.4(DPAGT1):c.276C>T (p.His92=)

Genes: DPAGT1 (dolichyl-phosphate N-acetylglucosaminephosphotransferase 1; minus strand), LOC126861360 (BRD4-independent group 4 enhancer GRCh37_chr11:118972216-118973415; plus strand). Cytogenetic location: 11q23.3.
Variant type: single nucleotide variant.
Coding change: c.276C>T on transcript NM_001382.4 (MANE Select); coding-DNA position 276, C replaced by T.
Protein change: p.His92=; no amino-acid change (histidine 92 retained).
Molecular consequence: synonymous variant.
Genome position (GRCh38, 1-based): chr11:119,101,024, G>A on the plus strand (C>T on the coding strand, the complement: DPAGT1 is on the minus strand). VCF-style: chr11-119101024-G-A. GRCh37 (hg19) VCF-style: chr11-118971734-G-A.
Identifiers: ClinVar variation 1625348 (VCV001625348.32), dbSNP rs931405073, ClinGen allele CA229605467.

ClinVar aggregate classification (germline): Likely benign. Review status: criteria provided, multiple submitters, no conflicts (2 of 4 stars). 2 submissions from 2 submitters: Likely benign (2). Last evaluated 2023-06-01.

Conditions:
Congenital myasthenic syndrome 13 (CMS13). Also called: Myasthenic syndrome, congenital, with tubular aggregates 2; Myasthenic syndrome, congenital, 13, with tubular aggregates. Identifiers: Orphanet 353327, Orphanet 590, MedGen C3553645, MONDO:0013883, OMIM 614750.
DPAGT1-congenital disorder of glycosylation. Also called: CDG Ij; DPAGT1-CDG; CONGENITAL DISORDER OF GLYCOSYLATION, TYPE Ij. Identifiers: Orphanet 86309, MedGen C2931004, MONDO:0011964, OMIM 608093.

Allele frequency attached by ClinVar (database versions not stated): gnomAD exomes 0.00001.

Submissions (2):

CeGaT Center for Human Genetics Tuebingen
Classification: Likely benign. Last evaluated: 2023-06-01. Review status: criteria provided, single submitter. Criteria: CeGaT Center For Human Genetics Tuebingen Variant Classification Criteria Version 2. Collection method: clinical testing. Allele origin: germline. Affected: yes. Observed: 1 variant allele.
Comment: DPAGT1: PM2:Supporting, BP4, BP7

Labcorp Genetics (formerly Invitae), Labcorp
Classification: Likely benign for Congenital myasthenic syndrome 13; DPAGT1-congenital disorder of glycosylation. Last evaluated: 2021-10-28. Review status: criteria provided, single submitter. Criteria: Invitae Variant Classification Sherloc (09022015). Collection method: clinical testing. Allele origin: germline.